The following is an entry in ClinVar:

ClinVar aggregate classification (germline): Pathogenic (1 of 4 stars; one submission).

Submission:

Labcorp Genetics (formerly Invitae), Labcorp
Classification: Pathogenic. Last evaluated: 2022-08-23. Review status: criteria provided, single submitter. Criteria: Invitae Variant Classification Sherloc (09022015). Collection method: clinical testing. Allele origin: germline.
Comment: This sequence change creates a premature translational stop signal (p.Gln957*) in the TJP2 gene. It is expected to result in an absent or disrupted protein product. Loss-of-function variants in TJP2 are known to be pathogenic (PMID: 24614073, 25921221, 28039895). This variant is not present in population databases (gnomAD no frequency). This variant has not been reported in the literature in individuals affected with TJP2-related conditions. For these reasons, this variant has been classified as Pathogenic.

Literature cited by the submitters: PubMed 24614073; PubMed 25921221; PubMed 28039895.

NM_004817.4(TJP2):c.2869C>T (p.Gln957Ter)

Gene: TJP2 (tight junction protein 2; plus strand). Cytogenetic location: 9q21.11.
Variant type: single nucleotide variant.
Coding change: c.2869C>T on transcript NM_004817.4 (MANE Select); coding-DNA position 2869, C replaced by T.
Protein change: p.Gln957Ter; replaces glutamine 957 with a stop codon.
Molecular consequence: nonsense. On other transcripts: intron variant (1).
Genome position (GRCh38, 1-based): chr9:69,248,213, C>T. VCF-style: chr9-69248213-C-T. GRCh37 (hg19) VCF-style: chr9-71863129-C-T.
Other names: c.2800C>T, p.Gln934Ter (NM_001170414.2, NM_001369871.1); c.2881C>T, p.Gln961Ter (NM_001170415.1, NM_001369874.1, NM_001369875.1); c.2962C>T, p.Gln988Ter (NM_001170416.2); c.2794C>T, p.Gln932Ter (NM_001369870.1); c.2869C>T, p.Gln957Ter (NM_001369872.1, NM_201629.3); c.2667+1423C>T (NM_001369873.1); short protein forms Q988*, Q932*, Q934*, Q957*, Q961*.
Identifiers: ClinVar variation 2026474 (VCV002026474.4), dbSNP rs763094928, ClinGen allele CA5073790.